The following is an entry in ClinVar:

NM_015978.3(TNNI3K):c.2432-5T>G

Genes: FPGT-TNNI3K (FPGT-TNNI3K readthrough; plus strand), TNNI3K (TNNI3 interacting kinase; plus strand). Cytogenetic location: 1p31.1.
Variant type: single nucleotide variant.
Coding change: c.2432-5T>G on transcript NM_015978.3 (MANE Select); 5 bases into the intron before coding-DNA position 2432, T replaced by G.
Molecular consequence: intron variant.
Genome position (GRCh38, 1-based): chr1:74,543,901, T>G. VCF-style: chr1-74543901-T-G. GRCh37 (hg19) VCF-style: chr1-75009585-T-G.
Other names: c.2735-5T>G (NM_001112808.3).
Identifiers: ClinVar variation 2419630 (VCV002419630.7), dbSNP rs1301200333, ClinGen allele CA738780242.
Genomic context (GRCh38, chr1:74,543,901, plus strand): 5'-TATAAAAAATTGGGGGATGTACTGAAAGACTAGTAAGTAACAACTGAACTTCTTTTCTGA[T>G]GCAGGCTATGTATCCGATCCCATGAGCTCAATGCATTTTCATTCTTGCCGAAATAGTAGC-3'

ClinVar aggregate classification (germline): Uncertain significance. Review status: criteria provided, multiple submitters, no conflicts (2 of 4 stars). 2 submissions from 2 submitters: Uncertain significance (2). Last evaluated 2026-02-01.

Allele frequency attached by ClinVar (database versions not stated): gnomAD 0.00003.
gnomAD v4.1: 7 of 1,613,454 alleles (0.00043%); highest among the groups gnomAD compares: African/African-American, 0.008%; no homozygotes.

Submissions (2):

Labcorp Genetics (formerly Invitae), Labcorp
Classification: Uncertain significance. Last evaluated: 2026-02-01. Review status: criteria provided, single submitter. Criteria: Invitae Variant Classification Sherloc (09022015). Collection method: clinical testing. Allele origin: germline.
Comment: This sequence change falls in intron 24 of the TNNI3K gene. It does not directly change the encoded amino acid sequence of the TNNI3K protein. This variant is not present in population databases (gnomAD no frequency). This variant has not been reported in the literature in individuals affected with TNNI3K-related conditions. ClinVar contains an entry for this variant (Variation ID: 2419630). Algorithms developed to predict the effect of sequence changes on RNA splicing suggest that this variant may disrupt the consensus splice site. In summary, the available evidence is currently insufficient to determine the role of this variant in disease. Therefore, it has been classified as a Variant of Uncertain Significance.

Clinical Genomics Laboratory, Stanford Medicine
Classification: Uncertain significance. Last evaluated: 2023-09-15. Review status: criteria provided, single submitter. Criteria: ACMG Guidelines, 2015. Collection method: clinical testing. Allele origin: germline. Observed: 1 variant allele, 1 heterozygote.
Comment: The c.2432-5T>G variant in the TNNI3K gene has not been previously reported in association with disease. This variant has been identified in 4/41,458 African/African American chromosomes (4/152,224 chromosomes overall) by the Genome Aggregation Database. This variant is present in ClinVar (Accession: VCV002419630.6). This variant occurs in the 3’ acceptor splice site of intron 24. Computational splicing tools do not agree on the predicted impact to splicing; however, the accuracy of in silico algorithms is limited. These data were assessed using the ACMG/AMP variant interpretation guidelines. In summary, the significance of the c.2432-5T>G variant is uncertain. Additional information is needed to resolve the significance of this variant. [ACMG evidence codes used: PM2]